The following is an entry in ClinVar:

ClinVar aggregate classification (germline): Likely pathogenic. Review status: criteria provided, single submitter (1 of 4 stars). 2 submissions from 2 submitters: Likely pathogenic (1). 1 of the submissions does not count toward it. Last evaluated 2025-06-27.

Conditions:
Lethal polymalformative syndrome, Boissel type. Also called: GROWTH RETARDATION, DEVELOPMENTAL DELAY, AND FACIAL DYSMORPHISM. Identifiers: Orphanet 210144, MedGen C2752001, MONDO:0013050, OMIM 612938.

Allele frequency attached by ClinVar (database versions not stated): gnomAD exomes below 0.00001; TOPMed below 0.00001; ExAC 0.00001; gnomAD 0.00001; 1000 Genomes Project 30x 0.00016; 1000 Genomes Project 0.00020.
gnomAD v4.1: 8 of 1,612,862 alleles (0.0005%); highest among the groups gnomAD compares: Non-Finnish European, 0.00059%; no homozygotes.

Submissions (2):

GeneDx
Classification: Likely pathogenic. Last evaluated: 2025-06-27. Review status: criteria provided, single submitter. Criteria: GeneDx Variant Classification Process June 2021. Collection method: clinical testing. Allele origin: germline. Affected: yes.
Comment: Published functional studies demonstrate a damaging effect on enzyme activity (PMID: 19559399); Not observed at significant frequency in large population cohorts (gnomAD); In silico analysis supports that this missense variant has a deleterious effect on protein structure/function; This variant is associated with the following publications: (PMID: 22435707, 37529081, 31589614, 25242086, 27558924, 22002720, 28555196, 34537236, 29161441, 24503721, 35945194, 30288236, 34218271, 33846348, 39661064, 26697951, 29203346, 26378117, 34853532, 19559399, 19833892)

OMIM
Classification: Pathogenic for GROWTH RETARDATION, DEVELOPMENTAL DELAY, AND FACIAL DYSMORPHISM. Last evaluated: 2009-07-01. Review status: no assertion criteria provided. Collection method: literature only. Allele origin: germline. Not counted in ClinVar's aggregate classification.

Literature cited by the submitters: PubMed 19559399 (cited by OMIM).

NM_001080432.3(FTO):c.947G>A (p.Arg316Gln)

Gene: FTO (FTO alpha-ketoglutarate dependent dioxygenase; plus strand). Cytogenetic location: 16q12.2.
Variant type: single nucleotide variant.
Coding change: c.947G>A on transcript NM_001080432.3 (MANE Select); coding-DNA position 947, G replaced by A.
Protein change: p.Arg316Gln; replaces arginine 316 with glutamine.
Molecular consequence: missense variant.
Genome position (GRCh38, 1-based): chr16:53,873,837, G>A. VCF-style: chr16-53873837-G-A. GRCh37 (hg19) VCF-style: chr16-53907749-G-A.
Other names: c.977G>A, p.Arg326Gln (NM_001363891.2, NM_001363898.2); c.947G>A, p.Arg316Gln (NM_001363894.2, NM_001363896.2, NM_001363900.2 and 2 more transcripts); c.869G>A, p.Arg290Gln (NM_001363897.2); c.833G>A, p.Arg278Gln (NM_001363899.2); c.803G>A, p.Arg268Gln (NM_001363901.2); c.434G>A, p.Arg145Gln (NM_001363905.2); c.947G>A (NM_001080432.2); short protein forms R316Q, R268Q, R278Q, R326Q, R145Q, R290Q.
Identifiers: ClinVar variation 1055 (VCV000001055.2), dbSNP rs121918214, ClinGen allele CA114727.